The following is an entry in ClinVar:

ClinVar aggregate classification (germline): Uncertain significance (1 of 4 stars; one submission).

Allele frequency attached by ClinVar (database versions not stated): gnomAD exomes below 0.00001.
gnomAD v4.1: 7 of 1,613,122 alleles (0.00043%); highest among the groups gnomAD compares: Non-Finnish European, 0.00034%; no homozygotes.

Submission:

Labcorp Genetics (formerly Invitae), Labcorp
Classification: Uncertain significance. Last evaluated: 2023-11-19. Review status: criteria provided, single submitter. Criteria: Invitae Variant Classification Sherloc (09022015). Collection method: clinical testing. Allele origin: germline.
Comment: This sequence change replaces glutamic acid, which is acidic and polar, with valine, which is neutral and non-polar, at codon 4178 of the HERC1 protein (p.Glu4178Val). This variant is not present in population databases (gnomAD no frequency). This variant has not been reported in the literature in individuals affected with HERC1-related conditions. Advanced modeling of protein sequence and biophysical properties (such as structural, functional, and spatial information, amino acid conservation, physicochemical variation, residue mobility, and thermodynamic stability) has been performed at Invitae for this missense variant, however the output from this modeling did not meet the statistical confidence thresholds required to predict the impact of this variant on HERC1 protein function. In summary, the available evidence is currently insufficient to determine the role of this variant in disease. Therefore, it has been classified as a Variant of Uncertain Significance.

NM_003922.4(HERC1):c.12533A>T (p.Glu4178Val)

Gene: HERC1 (HECT and RLD domain containing E3 ubiquitin protein ligase family member 1; minus strand). Cytogenetic location: 15q22.31.
Variant type: single nucleotide variant.
Coding change: c.12533A>T on transcript NM_003922.4 (MANE Select); coding-DNA position 12533, A replaced by T.
Protein change: p.Glu4178Val; replaces glutamic acid 4178 with valine.
Molecular consequence: missense variant.
Genome position (GRCh38, 1-based): chr15:63,634,770, T>A on the plus strand (A>T on the coding strand, the complement: HERC1 is on the minus strand). VCF-style: chr15-63634770-T-A. GRCh37 (hg19) VCF-style: chr15-63926969-T-A.
Other names: short protein forms E4178V.
Identifiers: ClinVar variation 2806688 (VCV002806688.3), dbSNP rs2550999821, ClinGen allele CA392739928.
Genomic context (GRCh38, chr15:63,634,770, plus strand): 5'-TATCTTATTGATTTATTCCATGCCTGTCCAATCTGATATCCCTCCAGTGCAGTCACTCTC[T>A]CTGGAAGTTTTTTGTTAGAGGTATTTCCAAGACCCAGACGACCATAGTCACCATTCCCAA-3'
Protein context (NP_003913.3, residues 4168-4188): LGNTSNKKLP[Glu4178Val]RVTALEGYQI